The following is an entry in ClinVar:

ClinVar aggregate classification (germline): Uncertain significance (1 of 4 stars; one submission).

Submission:

GeneDx
Classification: Uncertain significance. Last evaluated: 2023-06-27. Review status: criteria provided, single submitter. Criteria: GeneDx Variant Classification Process June 2021. Collection method: clinical testing. Allele origin: germline. Affected: yes.
Comment: Not observed at significant frequency in large population cohorts (gnomAD); In silico analysis supports that this missense variant has a deleterious effect on protein structure/function; Has not been previously published as pathogenic or benign to our knowledge

NM_130839.5(UBE3A):c.728T>C (p.Leu243Ser)

Genes: SNHG14 (small nucleolar RNA host gene 14; plus strand), UBE3A (ubiquitin protein ligase E3A; minus strand). Cytogenetic location: 15q11.2.
Variant type: single nucleotide variant.
Coding change: c.728T>C on transcript NM_130839.5 (MANE Select); coding-DNA position 728, T replaced by C.
Protein change: p.Leu243Ser; replaces leucine 243 with serine.
Molecular consequence: missense variant. On other transcripts: non-coding transcript variant (1), intron variant (2).
Genome position (GRCh38, 1-based): chr15:25,371,446, A>G on the plus strand (T>C on the coding strand, the complement: UBE3A is on the minus strand). VCF-style: chr15-25371446-A-G. GRCh37 (hg19) VCF-style: chr15-25616593-A-G.
Other names: c.737T>C, p.Leu246Ser (NM_000462.5); c.728T>C, p.Leu243Ser (NM_001354505.1, NM_001354538.2, NM_001354545.2); c.668T>C, p.Leu223Ser (NM_001354506.2, NM_001354507.2, NM_001354508.2 and 17 more transcripts); c.301+4019T>C (NM_001354551.2); c.361+4019T>C (NM_001354550.2); c.551T>C, p.Leu184Ser (NM_001354546.2); short protein forms L184S, L223S, L243S, L246S.
Identifiers: ClinVar variation 3360541 (VCV003360541.1).
Genomic context (GRCh38, chr15:25,371,446, plus strand): 5'-TTAGGTGACAAATATACAAGTGCATTGAGAAAGGCAGTTTCAATTTTTTCATTAGAGAGC[A>G]ATCTGGTGTAGACCCTTCTAATGGCATCAATATCCACAGACACATCATCAGGGCCTAATT-3'
Protein context (NP_570854.1, residues 233-253): IDAIRRVYTR[Leu243Ser]LSNEKIETAF